The following is an entry in ClinVar:

NM_014639.4(SKIC3):c.4263G>A (p.Met1421Ile)

Gene: SKIC3 (SKI3 subunit of superkiller complex; minus strand). Cytogenetic location: 5q15.
Variant type: single nucleotide variant.
Coding change: c.4263G>A on transcript NM_014639.4 (MANE Select); coding-DNA position 4263, G replaced by A.
Protein change: p.Met1421Ile; replaces methionine 1421 with isoleucine.
Molecular consequence: missense variant.
Genome position (GRCh38, 1-based): chr5:95,478,392, C>T on the plus strand (G>A on the coding strand, the complement: SKIC3 is on the minus strand). VCF-style: chr5-95478392-C-T. GRCh37 (hg19) VCF-style: chr5-94814096-C-T.
Other names: short protein forms M1421I.
Identifiers: ClinVar variation 2095434 (VCV002095434.4), dbSNP rs775750353, ClinGen allele CA360443025.

ClinVar aggregate classification (germline): Uncertain significance (1 of 4 stars; one submission).

Submission:

Labcorp Genetics (formerly Invitae), Labcorp
Classification: Uncertain significance. Last evaluated: 2023-08-04. Review status: criteria provided, single submitter. Criteria: Invitae Variant Classification Sherloc (09022015). Collection method: clinical testing. Allele origin: germline.
Comment: This sequence change replaces methionine, which is neutral and non-polar, with isoleucine, which is neutral and non-polar, at codon 1421 of the TTC37 protein (p.Met1421Ile). This variant is not present in population databases (gnomAD no frequency). This variant has not been reported in the literature in individuals affected with TTC37-related conditions. ClinVar contains an entry for this variant (Variation ID: 2095434). An algorithm developed to predict the effect of missense changes on protein structure and function (PolyPhen-2) suggests that this variant is likely to be disruptive. In summary, the available evidence is currently insufficient to determine the role of this variant in disease. Therefore, it has been classified as a Variant of Uncertain Significance.